The following is an entry in ClinVar:

NM_001170629.2(CHD8):c.2227-11T>G

Gene: CHD8 (chromodomain helicase DNA binding protein 8; minus strand). Cytogenetic location: 14q11.2.
Variant type: single nucleotide variant.
Coding change: c.2227-11T>G on transcript NM_001170629.2 (MANE Select); 11 bases into the intron before coding-DNA position 2227, T replaced by G.
Molecular consequence: intron variant.
Genome position (GRCh38, 1-based): chr14:21,409,999, A>C on the plus strand (T>G on the coding strand, the complement: CHD8 is on the minus strand). VCF-style: chr14-21409999-A-C. GRCh37 (hg19) VCF-style: chr14-21878158-A-C.
Other names: c.1390-11T>G (NM_020920.4).
Identifiers: ClinVar variation 3600601 (VCV003600601.1).

ClinVar aggregate classification (germline): Uncertain significance (1 of 4 stars; one submission).

gnomAD v4.1: 1 of 1,600,290 alleles (0.000062%); highest among the groups gnomAD compares: African/African-American, 0.0013%; no homozygotes.

Submission:

GeneDx
Classification: Uncertain significance. Last evaluated: 2024-07-27. Review status: criteria provided, single submitter. Criteria: GeneDx Variant Classification Process June 2021. Collection method: clinical testing. Allele origin: germline. Affected: yes.
Comment: Not observed at significant frequency in large population cohorts (gnomAD); In silico analysis indicates that this variant does not alter splicing; Has not been previously published as pathogenic or benign to our knowledge